The following is an entry in ClinVar:

ClinVar aggregate classification (germline): Uncertain significance (1 of 4 stars; one submission).

Conditions:
Maturity-onset diabetes of the young (MODY). Also called: Maturity onset diabetes mellitus in young. Identifiers: Orphanet 552, MedGen C0342276, MONDO:0018911, HP:0004904.

Submission:

Ambry Genetics
Classification: Uncertain significance for Maturity-onset diabetes of the young. Last evaluated: 2023-12-20. Review status: criteria provided, single submitter. Criteria: Ambry Variant Classification Scheme 2023. Collection method: clinical testing. Allele origin: germline.
Comment: The c.479C>T (p.A160V) alteration is located in exon 2 (coding exon 2) of the HNF1A gene. This alteration results from a C to T substitution at nucleotide position 479, causing the alanine (A) at amino acid position 160 to be replaced by a valine (V). This variant was not reported in population-based cohorts in the Genome Aggregation Database (gnomAD). This amino acid position is highly conserved in available vertebrate species. This alteration is predicted to be deleterious by in silico analysis. Based on insufficient or conflicting evidence, the clinical significance of this alteration remains unclear.

NM_000545.8(HNF1A):c.479C>T (p.Ala160Val)

Gene: HNF1A (HNF1 homeobox A; plus strand). Cytogenetic location: 12q24.31.
Variant type: single nucleotide variant.
Coding change: c.479C>T on transcript NM_000545.8 (MANE Select); coding-DNA position 479, C replaced by T.
Protein change: p.Ala160Val; replaces alanine 160 with valine.
Molecular consequence: missense variant.
Genome position (GRCh38, 1-based): chr12:120,988,985, C>T. VCF-style: chr12-120988985-C-T. GRCh37 (hg19) VCF-style: chr12-121426788-C-T.
Other names: c.479C>T, p.Ala160Val (NM_001306179.2, NM_001406915.1); short protein forms A160V.
Identifiers: ClinVar variation 3106362 (VCV003106362.1), dbSNP rs2135832814, ClinGen allele CA386960430.